The following is an entry in ClinVar:

NM_144585.4(SLC22A12):c.1271C>T (p.Thr424Met)

Gene: SLC22A12 (solute carrier family 22 member 12; plus strand). Cytogenetic location: 11q13.1.
Variant type: single nucleotide variant.
Coding change: c.1271C>T on transcript NM_144585.4 (MANE Select); coding-DNA position 1271, C replaced by T.
Protein change: p.Thr424Met; replaces threonine 424 with methionine.
Molecular consequence: missense variant.
Genome position (GRCh38, 1-based): chr11:64,599,876, C>T. VCF-style: chr11-64599876-C-T. GRCh37 (hg19) VCF-style: chr11-64367348-C-T.
Other names: c.1271C>T (NM_144585.2); c.1169C>T, p.Thr390Met (NM_001276326.2); c.947C>T, p.Thr316Met (NM_001276327.2); c.608C>T, p.Thr203Met (NM_153378.3); short protein forms T316M, T203M, T390M, T424M.
Identifiers: ClinVar variation 858904 (VCV000858904.12), dbSNP rs150779326, ClinGen allele CA6077361.

ClinVar aggregate classification (germline): Uncertain significance. Review status: criteria provided, multiple submitters, no conflicts (2 of 4 stars). 3 submissions from 3 submitters: Uncertain significance (3). Last evaluated 2024-09-29.

Conditions:
Inborn genetic diseases. Identifiers: MedGen C0950123, MeSH D030342.
Dalmatian hypouricemia (RHUC1). Identifiers: MedGen C0473219, MONDO:0020728, OMIM 220150.

Allele frequency attached by ClinVar (database versions not stated): ESP Exome Variant Server 0.00015; 1000 Genomes Project 30x 0.00016; TOPMed 0.00018; 1000 Genomes Project 0.00020.

Submissions (3):

Labcorp Genetics (formerly Invitae), Labcorp
Classification: Uncertain significance. Last evaluated: 2024-09-29. Review status: criteria provided, single submitter. Criteria: Invitae Variant Classification Sherloc (09022015). Collection method: clinical testing. Allele origin: germline.
Comment: This sequence change replaces threonine, which is neutral and polar, with methionine, which is neutral and non-polar, at codon 424 of the SLC22A12 protein (p.Thr424Met). This variant is present in population databases (rs150779326, gnomAD 0.06%). This variant has not been reported in the literature in individuals affected with SLC22A12-related conditions. ClinVar contains an entry for this variant (Variation ID: 858904). An algorithm developed to predict the effect of missense changes on protein structure and function outputs the following: PolyPhen-2: "Benign". The methionine amino acid residue is found in multiple mammalian species, which suggests that this missense change does not adversely affect protein function. In summary, the available evidence is currently insufficient to determine the role of this variant in disease. Therefore, it has been classified as a Variant of Uncertain Significance.

Fulgent Genetics
Classification: Uncertain significance for Dalmatian hypouricemia. Last evaluated: 2024-01-30. Review status: criteria provided, single submitter. Criteria: ACMG Guidelines, 2015. Collection method: clinical testing. Allele origin: germline.

Ambry Genetics
Classification: Uncertain significance for Inborn genetic diseases. Last evaluated: 2021-07-27. Review status: criteria provided, single submitter. Criteria: Ambry Variant Classification Scheme 2023. Collection method: clinical testing. Allele origin: germline.